The following is an entry in ClinVar:

ClinVar aggregate classification (germline): Uncertain significance. Review status: criteria provided, multiple submitters, no conflicts (2 of 4 stars). 2 submissions from 2 submitters: Uncertain significance (2). Last evaluated 2025-08-04.

Conditions:
Inborn genetic diseases. Identifiers: MedGen C0950123, MeSH D030342.
Harel-Yoon syndrome (HAYOS). Also called: Optic atrophy-peripheral neuropathy-developmental delay syndrome. Identifiers: Orphanet 496790, MedGen C4310677, MONDO:0014958, OMIM 617183.

Submissions (2):

Ambry Genetics
Classification: Uncertain significance for Inborn genetic diseases. Last evaluated: 2025-08-04. Review status: criteria provided, single submitter. Criteria: Ambry Variant Classification Scheme 2023. Collection method: clinical testing. Allele origin: germline.

3billion
Classification: Uncertain significance for Harel-Yoon syndrome. Last evaluated: 2025-07-01. Review status: criteria provided, single submitter. Criteria: ACMG Guidelines, 2015. Collection method: clinical testing. Allele origin: germline. Affected: yes.
Comment: The variant is not observed in the gnomAD v4.1.0 dataset. Predicted Consequence/Location: Missense variant In silico tool predictions suggest damaging effect of the variant on gene or gene product [REVEL: 0.95 (>=0.6, sensitivity 0.68 and specificity 0.92); 3Cnet: 0.89 (> 0.75, sensitivity 0.96 and precision 0.92)]. Therefore, this variant is classified as VUS according to the recommendation of ACMG/AMP guideline.

NM_001170535.3(ATAD3A):c.1310T>A (p.Leu437Gln)

Gene: ATAD3A (ATPase family AAA domain containing 3A; plus strand). Cytogenetic location: 1p36.33.
Variant type: single nucleotide variant.
Coding change: c.1310T>A on transcript NM_001170535.3 (MANE Select); coding-DNA position 1310, T replaced by A.
Protein change: p.Leu437Gln; replaces leucine 437 with glutamine.
Molecular consequence: missense variant.
Genome position (GRCh38, 1-based): chr1:1,526,504, T>A. VCF-style: chr1-1526504-T-A. GRCh37 (hg19) VCF-style: chr1-1461884-T-A.
Other names: c.1073T>A, p.Leu358Gln (NM_001170536.3); c.1454T>A, p.Leu485Gln (NM_018188.5); short protein forms L437Q, L358Q, L485Q.
Identifiers: ClinVar variation 4160802 (VCV004160802.2).